The following is an entry in ClinVar:

NM_025114.4(CEP290):c.6012-2A>G

Gene: CEP290 (centrosomal protein 290; minus strand). Cytogenetic location: 12q21.32.
Variant type: single nucleotide variant.
Coding change: c.6012-2A>G on transcript NM_025114.4 (MANE Select); the canonical splice acceptor site of the intron before coding-DNA position 6012, A replaced by G.
Molecular consequence: splice acceptor variant.
Genome position (GRCh38, 1-based): chr12:88,068,647, T>C on the plus strand (A>G on the coding strand, the complement: CEP290 is on the minus strand). VCF-style: chr12-88068647-T-C. GRCh37 (hg19) VCF-style: chr12-88462424-T-C.
Identifiers: ClinVar variation 931558 (VCV000931558.20), dbSNP rs555755221, ClinGen allele CA241149791.

ClinVar aggregate classification (germline): Pathogenic. Review status: criteria provided, multiple submitters, no conflicts (2 of 4 stars). 7 submissions from 7 submitters: Pathogenic (7). Last evaluated 2026-05-07.

Conditions:
CEP290-related disorder. Also called: CEP290-related disorders; CEP290-related condition. Identifiers: MedGen CN239314.
Meckel-Gruber syndrome. Also called: DYSENCEPHALIA SPLANCHNOCYSTICA; GRUBER SYNDROME; Dysencephalia splachnocystica. Identifiers: Orphanet 564, MedGen C0265215, MONDO:0018921.
Joubert syndrome. Also called: Familial aplasia of the vermis; JOUBERT-BOLTSHAUSER SYNDROME. Identifiers: Orphanet 475, MedGen C5979921, MONDO:0018772.
Nephronophthisis. Also called: Juvenile Nephronophthisis. Identifiers: Orphanet 655, MedGen C0687120, MONDO:0019005, HP:0000090.
Leber congenital amaurosis (LCA). Also called: Leber's amaurosis. Identifiers: Orphanet 65, MedGen C0339527, MeSH D057130, MONDO:0018998.
Joubert syndrome 5 (JBTS5). Identifiers: Orphanet 2318, MedGen C1857780, MONDO:0012432, OMIM 610188.
Leber congenital amaurosis 10 (LCA10). Identifiers: Orphanet 65, MedGen C1857821, MONDO:0012723, OMIM 611755.
Bardet-Biedl syndrome 14 (BBS14). Identifiers: Orphanet 110, MedGen C2673874, MONDO:0014442, OMIM 615991.
Meckel syndrome, type 4 (MKS4). Also called: MECKEL-GRUBER SYNDROME, TYPE 4. Identifiers: Orphanet 564, MedGen C1970161, MONDO:0012626, OMIM 611134.
Senior-Loken syndrome 6 (SLSN6). Identifiers: Orphanet 3156, MedGen C1857779, MONDO:0012433, OMIM 610189.

Allele frequency attached by ClinVar (database versions not stated): gnomAD exomes below 0.00001; gnomAD 0.00001; TOPMed 0.00001; 1000 Genomes Project 30x 0.00016; 1000 Genomes Project 0.00020.

Submissions (7):

Institute of Rare Diseases, West China Hospital, Sichuan University
Classification: Pathogenic for Leber congenital amaurosis 10. Last evaluated: 2026-05-07. Review status: criteria provided, single submitter. Criteria: ClinGen HL ACMG Specifications v1. Collection method: research. Allele origin: maternal. Inheritance: Autosomal recessive inheritance. Affected: yes.
Comment: This c.6012-2A>G variant occurs at a canonical acceptor splice site and is predicted to cause skipping of exon 44 (124bp), resulting in a frameshift and nonsense-mediated mRNA decay (NMD)(PVS1);This variant is extremely rare, with a maximum population allele frequency of 4.56×10-⁵ in gnomAD v4.0(PM2_Supporting);It is listed in ClinVar as a pathogenic variant and has been reported in two patients with CEP290-related disorders in compound heterozygotes with pathogenic variants(PMID:24850569,PMID:24265693)(PM3_Strong). PVS1;PM2_Supporting;PM3_Strong

Natera, Inc.
Classification: Pathogenic for Leber congenital amaurosis. Last evaluated: 2025-05-12. Review status: criteria provided, single submitter. Criteria: Natera Variant Classification Schema (03/2026). Collection method: clinical testing. Allele origin: germline.
Comment: The c.6012-2A>G variant in CEP290 is a canonical splice acceptor site variant predicted to affect pre-mRNA splicing, which may result in an abnormal transcript and altered protein product. This variant is expected to result in nonsense mediated decay, truncation, or a dysfunctional protein product. This variant is rare in the general population with a frequency below the threshold expected for the associated phenotype(s). This variant has been observed in one or more individuals affected with the associated recessive disease, as either homozygous or compound heterozygous with a second variant (PMID: 26047050). Given the available evidence, this variant is classified as Pathogenic.

Baylor Genetics
Classification: Pathogenic for Bardet-Biedl syndrome 14. Last evaluated: 2024-01-26. Review status: criteria provided, single submitter. Criteria: ACMG Guidelines, 2015. Collection method: clinical testing. Allele origin: unknown.

Labcorp Genetics (formerly Invitae), Labcorp
Classification: Pathogenic for Joubert syndrome; Meckel-Gruber syndrome; Nephronophthisis. Last evaluated: 2024-01-21. Review status: criteria provided, single submitter. Criteria: Invitae Variant Classification Sherloc (09022015). Collection method: clinical testing. Allele origin: germline.
Comment: This sequence change affects an acceptor splice site in intron 43 of the CEP290 gene. It is expected to disrupt RNA splicing. Variants that disrupt the donor or acceptor splice site typically lead to a loss of protein function (PMID: 16199547), and loss-of-function variants in CEP290 are known to be pathogenic (PMID: 16909394, 17345604, 20690115). The frequency data for this variant in the population databases is considered unreliable, as metrics indicate poor data quality at this position in the gnomAD database. Disruption of this splice site has been observed in individual(s) with CEP290-related conditions (PMID: 24265693, 24850569). In at least one individual the data is consistent with being in trans (on the opposite chromosome) from a pathogenic variant. ClinVar contains an entry for this variant (Variation ID: 931558). Algorithms developed to predict the effect of sequence changes on RNA splicing suggest that this variant may disrupt the consensus splice site. For these reasons, this variant has been classified as Pathogenic.

Blueprint Genetics
Classification: Pathogenic for CEP290-related disorders. Last evaluated: 2023-12-22. Review status: criteria provided, single submitter. Criteria: ACMG Guidelines, 2015. Collection method: clinical testing. Allele origin: germline. Affected: yes. Observed: 4 variant alleles.

Centre for Mendelian Genomics, University Medical Centre Ljubljana
Classification: Pathogenic for Joubert syndrome 5. Last evaluated: 2019-07-09. Review status: criteria provided, single submitter. Criteria: ACMG Guidelines, 2015. Collection method: clinical testing. Allele origin: unknown. Affected: yes.
Comment: This variant was classified as: Pathogenic. The following ACMG criteria were applied in classifying this variant: PVS1,PM2,PM3,PP4.

Juno Genomics, Hangzhou Juno Genomics, Inc
Classification: Pathogenic for Bardet-Biedl syndrome 14; Joubert syndrome 5; Leber congenital amaurosis 10; Meckel syndrome, type 4; Senior-Loken syndrome 6. Review status: criteria provided, single submitter. Criteria: ACMG Guidelines, 2015. Collection method: clinical testing. Allele origin: germline.
Comment: Absent from controls (or at extremely low frequency if recessive) in Genome Aggregation Database.;Null variant in a gene where loss of function (LOF) is a known mechanism of disease.;For recessive disorders, detected in trans with a pathogenic variant.

Literature cited by the submitters: PubMed 24850569 (cited by Institute of Rare Diseases, West China Hospital, Sichuan University and Labcorp Genetics (formerly Invitae), Labcorp); PubMed 24265693 (cited by Institute of Rare Diseases, West China Hospital, Sichuan University and Labcorp Genetics (formerly Invitae), Labcorp); PubMed 37352859 (cited by Institute of Rare Diseases, West China Hospital, Sichuan University); PubMed 29300386 (cited by Institute of Rare Diseases, West China Hospital, Sichuan University); PubMed 26047050 (cited by Natera, Inc.); PubMed 16199547 (cited by Labcorp Genetics (formerly Invitae), Labcorp); PubMed 16909394 (cited by Labcorp Genetics (formerly Invitae), Labcorp); PubMed 17345604 (cited by Labcorp Genetics (formerly Invitae), Labcorp); PubMed 20690115 (cited by Labcorp Genetics (formerly Invitae), Labcorp).